The following is an entry in ClinVar:

ClinVar aggregate classification (germline): Uncertain significance (1 of 4 stars; one submission).

Conditions:
Short-rib thoracic dysplasia 10 with or without polydactyly (SRTD10). Identifiers: Orphanet 474, MedGen C3810175, MONDO:0014284, OMIM 615630.
Retinitis pigmentosa 71 (RP71). Identifiers: Orphanet 791, MedGen C4225342, MONDO:0014618, OMIM 616394.

Submission:

Labcorp Genetics (formerly Invitae), Labcorp
Classification: Uncertain significance for Retinitis pigmentosa 71; Short-rib thoracic dysplasia 10 with or without polydactyly. Last evaluated: 2023-08-04. Review status: criteria provided, single submitter. Criteria: Invitae Variant Classification Sherloc (09022015). Collection method: clinical testing. Allele origin: germline.
Comment: This variant is not present in population databases (gnomAD no frequency). In summary, the available evidence is currently insufficient to determine the role of this variant in disease. Therefore, it has been classified as a Variant of Uncertain Significance. An algorithm developed to predict the effect of missense changes on protein structure and function (PolyPhen-2) suggests that this variant is likely to be disruptive. ClinVar contains an entry for this variant (Variation ID: 1376864). This variant has not been reported in the literature in individuals affected with IFT172-related conditions. This sequence change replaces serine, which is neutral and polar, with threonine, which is neutral and polar, at codon 1743 of the IFT172 protein (p.Ser1743Thr).

NM_015662.3(IFT172):c.5228G>C (p.Ser1743Thr)

Genes: IFT172 (intraflagellar transport 172; minus strand), KRTCAP3 (keratinocyte associated protein 3; plus strand). Cytogenetic location: 2p23.3.
Variant type: single nucleotide variant.
Coding change: c.5228G>C on transcript NM_015662.3 (MANE Select); coding-DNA position 5228, G replaced by C.
Protein change: p.Ser1743Thr; replaces serine 1743 with threonine.
Molecular consequence: missense variant. On other transcripts: intron variant (1).
Genome position (GRCh38, 1-based): chr2:27,444,454, C>G on the plus strand (G>C on the coding strand, the complement: IFT172 is on the minus strand). VCF-style: chr2-27444454-C-G. GRCh37 (hg19) VCF-style: chr2-27667321-C-G.
Other names: c.5162G>C, p.Ser1721Thr (NM_001410739.1); c.*5+393C>G (NM_001168364.2); short protein forms S1743T, S1721T.
Identifiers: ClinVar variation 1376864 (VCV001376864.9), dbSNP rs2148462622, ClinGen allele CA346409754.
Genomic context (GRCh38, chr2:27,444,454, plus strand): 5'-ATGAGGGAGAGGCCCTAACTCTTCCTCAGCTCTACCAACTACTGAAAGGAAAAGCTGGTG[C>G]TGGGGAGCCCTCCACACCACTGACTGATGAATTTCAGCACGTCCTGGCACACTGGGCTGT-3'
Protein context (NP_056477.1, residues 1733-1749): FISQWCGGLP[Ser1743Thr]TSFSFQ